The following is an entry in ClinVar:

ClinVar aggregate classification (germline): Uncertain significance. Review status: criteria provided, multiple submitters, no conflicts (2 of 4 stars). 3 submissions from 3 submitters: Uncertain significance (3). Last evaluated 2025-12-05.

Allele frequency attached by ClinVar (database versions not stated): TOPMed 0.00004; ExAC 0.00002; gnomAD exomes 0.00002; gnomAD 0.00003.
gnomAD v4.1: 31 of 1,614,020 alleles (0.0019%); highest among the groups gnomAD compares: African/African-American, 0.011%; no homozygotes.

Submissions (3):

Mayo Clinic Laboratories, Mayo Clinic
Classification: Uncertain significance. Last evaluated: 2025-12-05. Review status: criteria provided, single submitter. Criteria: ACMG Guidelines, 2015. Collection method: clinical testing. Allele origin: germline. Observed: 1 variant allele.
Comment: PM2_supporting

Clinical Genetics Laboratory, Skane University Hospital Lund
Classification: Uncertain significance. Last evaluated: 2022-11-08. Review status: criteria provided, single submitter. Criteria: ACMG Guidelines, 2015. Collection method: clinical testing. Allele origin: germline. Affected: yes.

Labcorp Genetics (formerly Invitae), Labcorp
Classification: Uncertain significance. Last evaluated: 2022-03-04. Review status: criteria provided, single submitter. Criteria: Invitae Variant Classification Sherloc (09022015). Collection method: clinical testing. Allele origin: germline.
Comment: This sequence change replaces isoleucine, which is neutral and non-polar, with threonine, which is neutral and polar, at codon 46 of the TTC37 protein (p.Ile46Thr). This variant is present in population databases (rs767914879, gnomAD 0.01%). This variant has not been reported in the literature in individuals affected with TTC37-related conditions. Algorithms developed to predict the effect of missense changes on protein structure and function are either unavailable or do not agree on the potential impact of this missense change (SIFT: "Deleterious"; PolyPhen-2: "Probably Damaging"; Align-GVGD: "Class C0"). In summary, the available evidence is currently insufficient to determine the role of this variant in disease. Therefore, it has been classified as a Variant of Uncertain Significance.

NM_014639.4(SKIC3):c.137T>C (p.Ile46Thr)

Gene: SKIC3 (SKI3 subunit of superkiller complex; minus strand). Cytogenetic location: 5q15.
Variant type: single nucleotide variant.
Coding change: c.137T>C on transcript NM_014639.4 (MANE Select); coding-DNA position 137, T replaced by C.
Protein change: p.Ile46Thr; replaces isoleucine 46 with threonine.
Molecular consequence: missense variant.
Genome position (GRCh38, 1-based): chr5:95,543,281, A>G on the plus strand (T>C on the coding strand, the complement: SKIC3 is on the minus strand). VCF-style: chr5-95543281-A-G. GRCh37 (hg19) VCF-style: chr5-94878985-A-G.
Other names: p.Ile46Thr; short protein forms I46T.
Identifiers: ClinVar variation 2044667 (VCV002044667.3), dbSNP rs767914879, ClinGen allele CA3347703.